The following is an entry in ClinVar:

NM_000100.4(CSTB):c.67-1G>A

Gene: CSTB (cystatin B; minus strand). Cytogenetic location: 21q22.3.
Variant type: single nucleotide variant.
Coding change: c.67-1G>A on transcript NM_000100.4 (MANE Select); the canonical splice acceptor site of the intron before coding-DNA position 67, G replaced by A.
Molecular consequence: splice acceptor variant.
Genome position (GRCh38, 1-based): chr21:43,774,760, C>T on the plus strand (G>A on the coding strand, the complement: CSTB is on the minus strand). VCF-style: chr21-43774760-C-T. GRCh37 (hg19) VCF-style: chr21-45194641-C-T.
Identifiers: ClinVar variation 4725737 (VCV004725737.1).
Genomic context (GRCh38, chr21:43,774,760, plus strand): 5'-TGACACGGCCTTAAACACAGGGAACTTCTTGTTTTCTTTCTCTTCAAGCTGGGACCTCAC[C>T]TAGACAGAAGGGACAGAATGAGGATGTCTCAGTGGCTTCTTGGATTCCCTCCTGCTAGAG-3'

ClinVar aggregate classification (germline): Pathogenic (1 of 4 stars; one submission).

Conditions:
Progressive myoclonic epilepsy. Also called: Familial progressive myoclonic epilepsy; Myoclonus epilepsy; Progressive myoclonus epilepsy; Myoclonic Epilepsies, Progressive. Identifiers: Orphanet 308, Orphanet 98261, MedGen C0751778, MONDO:0020074.

Submission:

Labcorp Genetics (formerly Invitae), Labcorp
Classification: Pathogenic for Progressive myoclonic epilepsy. Last evaluated: 2025-08-20. Review status: criteria provided, single submitter. Criteria: Invitae Variant Classification Sherloc (09022015). Collection method: clinical testing. Allele origin: germline.
Comment: This sequence change affects an acceptor splice site in intron 1 of the CSTB gene. It is expected to disrupt RNA splicing. Variants that disrupt the donor or acceptor splice site typically lead to a loss of protein function (PMID: 16199547), and loss-of-function variants in CSTB are known to be pathogenic (PMID: 8596935). This variant is not present in population databases (gnomAD no frequency). Disruption of this splice site has been observed in individuals with Unverricht-Lundborg disease (PMID: 8596935, 9012407, 9054946, 23205931). Algorithms developed to predict the effect of sequence changes on RNA splicing suggest that this variant may disrupt the consensus splice site. For these reasons, this variant has been classified as Pathogenic.

Literature cited by the submitters: PubMed 16199547; PubMed 8596935; PubMed 9012407; PubMed 9054946; PubMed 23205931.